The following is an entry in ClinVar:

NM_006885.4(ZFHX3):c.6131C>G (p.Pro2044Arg)

Genes: ZFHX3 (zinc finger homeobox 3; minus strand), ZFHX3-AS1 (ZFHX3 antisense RNA 1; plus strand). Cytogenetic location: 16q22.2.
Variant type: single nucleotide variant.
Coding change: c.6131C>G on transcript NM_006885.4 (MANE Select); coding-DNA position 6131, C replaced by G.
Protein change: p.Pro2044Arg; replaces proline 2044 with arginine.
Molecular consequence: missense variant.
Genome position (GRCh38, 1-based): chr16:72,796,551, G>C on the plus strand (C>G on the coding strand, the complement: ZFHX3 is on the minus strand). VCF-style: chr16-72796551-G-C. GRCh37 (hg19) VCF-style: chr16-72830450-G-C.
Other names: c.3389C>G, p.Pro1130Arg (NM_001164766.2); c.6131C>G, p.Pro2044Arg (NM_001386735.1); short protein forms P1130R, P2044R.
Identifiers: ClinVar variation 3769697 (VCV003769697.1).

ClinVar aggregate classification (germline): Uncertain significance (1 of 4 stars; one submission).

Submission:

GeneDx
Classification: Uncertain significance. Last evaluated: 2024-09-16. Review status: criteria provided, single submitter. Criteria: GeneDx Variant Classification Process June 2021. Collection method: clinical testing. Allele origin: germline. Affected: yes.
Comment: Not observed at significant frequency in large population cohorts (gnomAD); In silico analysis supports that this missense variant has a deleterious effect on protein structure/function; Has not been previously published as pathogenic or benign to our knowledge